The following is an entry in ClinVar:

ClinVar aggregate classification (germline): Uncertain significance (1 of 4 stars; one submission).

Conditions:
Pityriasis rubra pilaris (PRP). Also called: Pityriasis rubra pilaris--familial type. Identifiers: Orphanet 2897, MedGen C0032027, MONDO:0100017, OMIM 173200, MONDO:0008251.
Psoriasis 2. Identifiers: MedGen C1864497, MONDO:0011269, OMIM 602723.

gnomAD v4.1: 2 of 1,562,820 alleles (0.00013%); highest among the groups gnomAD compares: African/African-American, 0.0014%; no homozygotes.

Submission:

Labcorp Genetics (formerly Invitae), Labcorp
Classification: Uncertain significance for Pityriasis rubra pilaris; Psoriasis 2. Last evaluated: 2025-04-17. Review status: criteria provided, single submitter. Criteria: Invitae Variant Classification Sherloc (09022015). Collection method: clinical testing. Allele origin: germline.
Comment: This sequence change replaces histidine, which is basic and polar, with glutamine, which is neutral and polar, at codon 204 of the CARD14 protein (p.His204Gln). This variant is not present in population databases (gnomAD no frequency). This variant has not been reported in the literature in individuals affected with CARD14-related conditions. Invitae Evidence Modeling of protein sequence and biophysical properties (such as structural, functional, and spatial information, amino acid conservation, physicochemical variation, residue mobility, and thermodynamic stability) indicates that this missense variant is not expected to disrupt CARD14 protein function with a negative predictive value of 95%. In summary, the available evidence is currently insufficient to determine the role of this variant in disease. Therefore, it has been classified as a Variant of Uncertain Significance.

NM_001366385.1(CARD14):c.612C>G (p.His204Gln)

Gene: CARD14 (caspase recruitment domain family member 14; plus strand). Cytogenetic location: 17q25.3.
Variant type: single nucleotide variant.
Coding change: c.612C>G on transcript NM_001366385.1 (MANE Select); coding-DNA position 612, C replaced by G.
Protein change: p.His204Gln; replaces histidine 204 with glutamine.
Molecular consequence: missense variant. On other transcripts: non-coding transcript variant (1).
Genome position (GRCh38, 1-based): chr17:80,184,175, C>G. VCF-style: chr17-80184175-C-G. GRCh37 (hg19) VCF-style: chr17-78157974-C-G.
Other names: c.612C>G, p.His204Gln (NM_001257970.1, NM_024110.4); short protein forms H204Q.
Identifiers: ClinVar variation 4790699 (VCV004790699.1).
Genomic context (GRCh38, chr17:80,184,175, plus strand): 5'-TAGCGCACACTTCCATGAGGTGCTGAGGCTGAAGGACGAGATGCTCAGCCTCTCGCTGCA[C>G]TATAGCAATGCGCTGCAGGAGAAGGAGCTGGCCGCCTCACGCTGCCGCAGCCTGCAGGAG-3'
Protein context (NP_001353314.1, residues 194-214): LKDEMLSLSL[His204Gln]YSNALQEKEL